The following is an entry in ClinVar:

ClinVar aggregate classification (germline): Uncertain significance (1 of 4 stars; one submission).

Conditions:
Microcephaly 4, primary, autosomal recessive. Identifiers: Orphanet 2512, MedGen C1858516, MONDO:0011437, OMIM 604321.

Allele frequency attached by ClinVar (database versions not stated): gnomAD exomes below 0.00001; gnomAD 0.00001.
gnomAD v4.1: 4 of 1,521,518 alleles (0.00026%); highest among the groups gnomAD compares: South Asian, 0.0045%; no homozygotes.

Submission:

Neuberg Centre For Genomic Medicine, NCGM
Classification: Uncertain significance for Microcephaly 4, primary, autosomal recessive. Review status: criteria provided, single submitter. Criteria: ACMG Guidelines, 2015. Collection method: clinical testing. Allele origin: germline. Inheritance: Autosomal recessive inheritance. Affected: yes.
Comment: The missense variant in c.220A>T (p.Met74Leu) in KNL1 gene has not been reported previously as a pathogenic variant nor as a benign variant, to our knowledge. The p.Met74Leu variant is reported with the allele frequency of 0.0004041% in gnomAD and is novel (not in any individuals) in 1000 Genomes. The amino acid Met at position 74 is changed to a Leu changing protein sequence and it might alter its composition and physico-chemical properties. The amino acid change p.Met74Leu in KNL1 is predicted as conserved by GERP++ and PhyloP across 100 vertebrates. For these reasons, this variant has been classified as uncertain significance.

NM_144508.5(KNL1):c.220A>T (p.Met74Leu)

Gene: KNL1 (kinetochore scaffold 1; plus strand). Cytogenetic location: 15q15.1.
Variant type: single nucleotide variant.
Coding change: c.220A>T on transcript NM_144508.5 (MANE Select); coding-DNA position 220, A replaced by T.
Protein change: p.Met74Leu; replaces methionine 74 with leucine.
Molecular consequence: missense variant.
Genome position (GRCh38, 1-based): chr15:40,610,267, A>T. VCF-style: chr15-40610267-A-T. GRCh37 (hg19) VCF-style: chr15-40902465-A-T.
Other names: c.220A>T, p.Met74Leu (NM_170589.5); short protein forms M74L.
Identifiers: ClinVar variation 2584862 (VCV002584862.1), dbSNP rs1362165934, ClinGen allele CA391719262.